The following is an entry in ClinVar:

ClinVar aggregate classification (germline): Uncertain significance. Review status: criteria provided, multiple submitters, no conflicts (2 of 4 stars). 5 submissions from 5 submitters: Uncertain significance (5). Last evaluated 2025-12-10.

Conditions:
Familial cancer of breast. Also called: BREAST CANCER, FAMILIAL; hereditary breast carcinoma; Hereditary breast cancer. Identifiers: Orphanet 227535, MedGen C0346153, MONDO:0016419, OMIM 114480. Disease mechanism: loss of function.
Hereditary cancer-predisposing syndrome. Also called: Neoplastic Syndromes, Hereditary; Tumor predisposition; Hereditary Cancer Syndrome; Hereditary neoplastic syndrome. Identifiers: Orphanet 140162, MedGen C0027672, MeSH D009386, MONDO:0015356.

Allele frequency attached by ClinVar (database versions not stated): gnomAD exomes below 0.00001 and 0.00001; gnomAD 0.00001; TOPMed 0.00001; ExAC 0.00002.

Submissions (5):

Labcorp Genetics (formerly Invitae), Labcorp
Classification: Uncertain significance for Familial cancer of breast. Last evaluated: 2025-12-10. Review status: criteria provided, single submitter. Criteria: Invitae Variant Classification Sherloc (09022015). Collection method: clinical testing. Allele origin: germline.
Comment: This sequence change replaces tyrosine, which is neutral and polar, with cysteine, which is neutral and slightly polar, at codon 678 of the BARD1 protein (p.Tyr678Cys). This variant is present in population databases (rs771766430, gnomAD 0.01%). This missense change has been observed in individual(s) with breast cancer (PMID: 25186627). ClinVar contains an entry for this variant (Variation ID: 460735). An algorithm developed to predict the effect of missense changes on protein structure and function (PolyPhen-2) suggests that this variant is likely to be disruptive. In summary, the available evidence is currently insufficient to determine the role of this variant in disease. Therefore, it has been classified as a Variant of Uncertain Significance.

Ambry Genetics
Classification: Uncertain significance for Hereditary cancer-predisposing syndrome. Last evaluated: 2025-02-06. Review status: criteria provided, single submitter. Criteria: Ambry Variant Classification Scheme 2023. Collection method: clinical testing. Allele origin: germline.
Comment: The p.Y678C variant (also known as c.2033A>G), located in coding exon 11 of the BARD1 gene, results from an A to G substitution at nucleotide position 2033. The tyrosine at codon 678 is replaced by cysteine, an amino acid with highly dissimilar properties. This amino acid position is not well conserved in available vertebrate species. In addition, this alteration is predicted to be tolerated by in silico analysis. Since supporting evidence is limited at this time, the clinical significance of this alteration remains unclear.

Color Diagnostics, LLC DBA Color Health
Classification: Uncertain significance for Hereditary cancer-predisposing syndrome. Last evaluated: 2024-07-01. Review status: criteria provided, single submitter. Criteria: ACMG Guidelines, 2015. Collection method: clinical testing. Allele origin: germline.
Comment: This missense variant replaces tyrosine with cysteine at codon 678 of the BARD1 protein. Computational prediction suggests that this variant may not impact protein structure and function. To our knowledge, functional studies have not been reported for this variant. This variant has been reported in an individual affected with breast cancer (PMID: 25186627). This variant has been identified in 3/251046 chromosomes in the general population by the Genome Aggregation Database (gnomAD). The available evidence is insufficient to determine the role of this variant in disease conclusively. Therefore, this variant is classified as a Variant of Uncertain Significance.

Department of Pathology and Laboratory Medicine, Sinai Health System
Classification: Uncertain significance for Familial cancer of breast. Last evaluated: 2022-12-29. Review status: criteria provided, single submitter. Criteria: ACMG Guidelines, 2015. Collection method: research. Allele origin: germline.

GeneDx
Classification: Uncertain significance. Last evaluated: 2019-09-18. Review status: criteria provided, single submitter. Criteria: GeneDx Variant Classification Process June 2021. Collection method: clinical testing. Allele origin: germline. Affected: yes.
Comment: In silico analysis, which includes protein predictors and evolutionary conservation, supports a deleterious effect; Has not been previously published as pathogenic or benign to our knowledge

Literature cited by the submitters: PubMed 25186627 (cited by 3 submitters).

NM_000465.4(BARD1):c.2033A>G (p.Tyr678Cys)

Gene: BARD1 (BRCA1 associated RING domain 1; minus strand). Cytogenetic location: 2q35.
Variant type: single nucleotide variant.
Coding change: c.2033A>G on transcript NM_000465.4 (MANE Select); coding-DNA position 2033, A replaced by G.
Protein change: p.Tyr678Cys; replaces tyrosine 678 with cysteine.
Molecular consequence: missense variant. On other transcripts: non-coding transcript variant (3).
Genome position (GRCh38, 1-based): chr2:214,728,977, T>C on the plus strand (A>G on the coding strand, the complement: BARD1 is on the minus strand). VCF-style: chr2-214728977-T-C. GRCh37 (hg19) VCF-style: chr2-215593701-T-C.
Other names: c.1976A>G, p.Tyr659Cys (NM_001282543.2); c.680A>G, p.Tyr227Cys (NM_001282545.2); c.623A>G, p.Tyr208Cys (NM_001282548.2); c.494A>G, p.Tyr165Cys (NM_001282549.2); short protein forms Y678C, Y208C, Y165C, Y659C, Y227C.
Identifiers: ClinVar variation 460735 (VCV000460735.21), dbSNP rs771766430, ClinGen allele CA2090083.